The following is an entry in ClinVar:

NM_000545.8(HNF1A):c.257T>A (p.Leu86His)

Gene: HNF1A (HNF1 homeobox A; plus strand). Cytogenetic location: 12q24.31.
Variant type: single nucleotide variant.
Coding change: c.257T>A on transcript NM_000545.8 (MANE Select); coding-DNA position 257, T replaced by A.
Protein change: p.Leu86His; replaces leucine 86 with histidine.
Molecular consequence: missense variant.
Genome position (GRCh38, 1-based): chr12:120,979,025, T>A. VCF-style: chr12-120979025-T-A. GRCh37 (hg19) VCF-style: chr12-121416828-T-A.
Other names: NM_001306179.2:c.257T>A; c.257T>A, p.Leu86His (NM_001306179.2); short protein forms L86H.
Identifiers: ClinVar variation 1334141 (VCV001334141.6), dbSNP rs200442958, ClinGen allele CA6831699.
Genomic context (GRCh38, chr12:120,979,025, plus strand): 5'-AGACTCGGGGCTCCGAGGACGAGACGGACGACGATGGGGAAGACTTCACGCCACCCATCC[T>A]CAAAGAGCTGGAGAACCTCAGCCCTGAGGAGGCGGCCCACCAGAAAGCCGTGGTGGAGAC-3'
Protein context (NP_000536.6, residues 76-96): DDGEDFTPPI[Leu86His]KELENLSPEE

ClinVar aggregate classification (germline): Uncertain significance. Review status: reviewed by expert panel (3 of 4 stars). 3 submissions from 3 submitters: Uncertain significance (1). 2 of the submissions do not count toward it. Last evaluated 2021-12-30.

Conditions:
Maturity-onset diabetes of the young type 3. Also called: MODY, type III; MODY type 3. Identifiers: Orphanet 552, MedGen C1838100, MeSH C563933, MONDO:0010894, OMIM 600496. Disease mechanism: loss of function.
Type 2 diabetes mellitus. Also called: Type II diabetes mellitus. Identifiers: MedGen C0011860, MeSH D003924, MONDO:0005148, OMIM 125853, HP:0005978.
Diabetes mellitus type 1 (T1D). Also called: Diabetes Mellitus, Juvenile-Onset; Type I diabetes mellitus. Identifiers: MedGen C0011854, MONDO:0005147, OMIM 222100, HP:0100651.
Hepatic adenomas, familial. Also called: HEPATIC ADENOMA, SOMATIC; LIVER CELL ADENOMAS, FAMILIAL. Identifiers: MedGen C1840646, MONDO:0007718, OMIM 142330.
Nonpapillary renal cell carcinoma. Identifiers: Orphanet 422526, MedGen CN074294, MONDO:0007763, OMIM 144700.
Type 1 diabetes mellitus 20 (T1D20). Also called: Diabetes mellitus, insulin-dependent, 20. Identifiers: MedGen C2675866, MONDO:0012919, OMIM 612520.
Monogenic diabetes. Identifiers: Orphanet 183625, MedGen C3888631, MONDO:0015967.

Allele frequency attached by ClinVar (database versions not stated): gnomAD 0.00001; TOPMed 0.00002; gnomAD exomes 0.00004 and 0.00006; ESP Exome Variant Server 0.00008; ExAC 0.00009.
gnomAD v4.1: 84 of 1,611,114 alleles (0.0052%); highest among the groups gnomAD compares: Non-Finnish European, 0.007%; no homozygotes.

Submissions (3):

ClinGen Monogenic Diabetes Variant Curation Expert Panel
Classification: Uncertain significance for Monogenic diabetes. Last evaluated: 2021-12-30. Review status: reviewed by expert panel. Criteria: ClinGen Diabetes ACMG Specifications v1 1. Collection method: curation. Allele origin: germline. Inheritance: Autosomal dominant inheritance.
Comment: The c.257T>A variant in the HNF1 homeobox A gene, HNF1A, causes an amino acid change of leucine to histidine at codon 86 (p.(Leu86His)) of NM_000545.8. This variant is predicted to be deleterious by computational evidence, with a REVEL score of 0.8209, which is greater than or equal to the MDEP VCEP threshold of 0.70 (PP3). Also, this variant has a Popmax Filtering allele frequency in gnomAD 2.1.1 of 0.00004341, which is greater than or equal to the MDEP threshold for BS1 (≥0.000033) (BS1). In summary, c.257T>A meets the criteria to be classified as a variant of uncertain significance for monogenic diabetes. ACMG/AMP criteria applied, as specified by the ClinGen MDEP (specification version 1.1, approved 6/4/2021): PP3, BS1

Labcorp Genetics (formerly Invitae), Labcorp
Classification: Uncertain significance. Last evaluated: 2025-03-10. Review status: criteria provided, single submitter. Criteria: Invitae Variant Classification Sherloc (09022015). Collection method: clinical testing. Allele origin: germline. Not counted in ClinVar's aggregate classification.
Comment: This sequence change replaces leucine, which is neutral and non-polar, with histidine, which is basic and polar, at codon 86 of the HNF1A protein (p.Leu86His). This variant is present in population databases (rs200442958, gnomAD 0.008%). This variant has not been reported in the literature in individuals affected with HNF1A-related conditions. ClinVar contains an entry for this variant (Variation ID: 1334141). Invitae Evidence Modeling of protein sequence and biophysical properties (such as structural, functional, and spatial information, amino acid conservation, physicochemical variation, residue mobility, and thermodynamic stability) indicates that this missense variant is not expected to disrupt HNF1A protein function with a negative predictive value of 80%. In summary, the available evidence is currently insufficient to determine the role of this variant in disease. Therefore, it has been classified as a Variant of Uncertain Significance.

Fulgent Genetics
Classification: Uncertain significance for Type 2 diabetes mellitus; Hepatic adenomas, familial; Nonpapillary renal cell carcinoma; Diabetes mellitus type 1; Maturity-onset diabetes of the young type 3; Type 1 diabetes mellitus 20. Last evaluated: 2024-05-09. Review status: criteria provided, single submitter. Criteria: ACMG Guidelines, 2015. Collection method: clinical testing. Allele origin: germline. Not counted in ClinVar's aggregate classification.